The following is an entry in ClinVar:

NM_003482.4(KMT2D):c.193C>A (p.Arg65Ser)

Gene: KMT2D (lysine methyltransferase 2D; minus strand). Cytogenetic location: 12q13.12.
Variant type: single nucleotide variant.
Coding change: c.193C>A on transcript NM_003482.4 (MANE Select); coding-DNA position 193, C replaced by A.
Protein change: p.Arg65Ser; replaces arginine 65 with serine.
Molecular consequence: missense variant.
Genome position (GRCh38, 1-based): chr12:49,054,735, G>T on the plus strand (C>A on the coding strand, the complement: KMT2D is on the minus strand). VCF-style: chr12-49054735-G-T. GRCh37 (hg19) VCF-style: chr12-49448518-G-T.
Other names: short protein forms R65S.
Identifiers: ClinVar variation 1485293 (VCV001485293.8), dbSNP rs1189364625, ClinGen allele CA384689298.

ClinVar aggregate classification (germline): Uncertain significance (1 of 4 stars; one submission).

Conditions:
Kabuki syndrome. Also called: Kabuki make-up syndrome; NIIKAWA-KUROKI SYNDROME. Identifiers: Orphanet 2322, MedGen C0796004, MONDO:0016512.

gnomAD v4.1: 3 of 1,613,764 alleles (0.00019%); highest among the groups gnomAD compares: Non-Finnish European, 0.00025%; no homozygotes.

Submission:

Labcorp Genetics (formerly Invitae), Labcorp
Classification: Uncertain significance for Kabuki syndrome. Last evaluated: 2024-10-16. Review status: criteria provided, single submitter. Criteria: Invitae Variant Classification Sherloc (09022015). Collection method: clinical testing. Allele origin: germline.
Comment: This sequence change replaces arginine, which is basic and polar, with serine, which is neutral and polar, at codon 65 of the KMT2D protein (p.Arg65Ser). This variant is not present in population databases (gnomAD no frequency). This variant has not been reported in the literature in individuals affected with KMT2D-related conditions. ClinVar contains an entry for this variant (Variation ID: 1485293). Invitae Evidence Modeling of protein sequence and biophysical properties (such as structural, functional, and spatial information, amino acid conservation, physicochemical variation, residue mobility, and thermodynamic stability) indicates that this missense variant is not expected to disrupt KMT2D protein function with a negative predictive value of 95%. In summary, the available evidence is currently insufficient to determine the role of this variant in disease. Therefore, it has been classified as a Variant of Uncertain Significance.